The following is an entry in ClinVar:

NC_000019.9:g.(?_45854887)_(45873798_?)dup

Gene: ERCC2 (ERCC excision repair 2, TFIIH core complex helicase subunit; minus strand). Cytogenetic location: 19q13.32.
Variant type: Duplication.
Identifiers: ClinVar variation 1524641 (VCV001524641.4).

ClinVar aggregate classification (germline): Uncertain significance (1 of 4 stars; one submission).

Submission:

Labcorp Genetics (formerly Invitae), Labcorp
Classification: Uncertain significance. Last evaluated: 2022-10-13. Review status: criteria provided, single submitter. Criteria: Invitae Variant Classification Sherloc (09022015). Collection method: clinical testing. Allele origin: germline.
Comment: A copy number gain of the genomic region encompassing the full coding sequence of the ERCC2 gene has been identified. The boundaries of this event are unknown as they extend beyond the assayed region for this gene and therefore may encompass additional genes. As the precise location of this event is unknown, it may be in tandem or it may be located elsewhere in the genome. This variant has not been reported in the literature in individuals affected with ERCC2-related conditions. Experimental studies and prediction algorithms are not available or were not evaluated, and the functional significance of this variant is currently unknown. In summary, the available evidence is currently insufficient to determine the role of this variant in disease. Therefore, it has been classified as a Variant of Uncertain Significance.